The following is an entry in ClinVar:

NM_001083614.2(EARS2):c.1297G>A (p.Ala433Thr)

Gene: EARS2 (glutamyl-tRNA synthetase 2, mitochondrial; minus strand). Cytogenetic location: 16p12.2.
Variant type: single nucleotide variant.
Coding change: c.1297G>A on transcript NM_001083614.2 (MANE Select); coding-DNA position 1297, G replaced by A.
Protein change: p.Ala433Thr; replaces alanine 433 with threonine.
Molecular consequence: missense variant. On other transcripts: non-coding transcript variant (1).
Genome position (GRCh38, 1-based): chr16:23,529,557, C>T on the plus strand (G>A on the coding strand, the complement: EARS2 is on the minus strand). VCF-style: chr16-23529557-C-T. GRCh37 (hg19) VCF-style: chr16-23540878-C-T.
Other names: c.1297G>A, p.Ala433Thr (NM_001308211.1); short protein forms A433T.
Identifiers: ClinVar variation 4686204 (VCV004686204.1).
Genomic context (GRCh38, chr16:23,529,557, plus strand): 5'-CTCACCCCAGCACACGCTTGGCAATCACATCCACCTTCTCCGAGATGGCGTCCAGCTGTG[C>T]TCGACCTACTGCAGGGCGAGTCCACAGGTAAGAGTATACTGGGGACACCAAGTCCTGCAG-3'
Protein context (NP_001077083.1, residues 423-443): YLWTRPAVGR[Ala433Thr]QLDAISEKVD

ClinVar aggregate classification (germline): Uncertain significance (1 of 4 stars; one submission).

Submission:

GeneDx
Classification: Uncertain significance. Last evaluated: 2025-07-14. Review status: criteria provided, single submitter. Criteria: GeneDx Variant Classification Process June 2021. Collection method: clinical testing. Allele origin: germline. Affected: yes.
Comment: Not observed at significant frequency in large population cohorts (gnomAD); In silico analysis suggests that this missense variant does not alter protein structure/function; Has not been previously published as pathogenic or benign to our knowledge